The following is an entry in ClinVar:

ClinVar aggregate classification (germline): Likely benign (0 of 4 stars; one submission).

Conditions:
DAAM2-related disorder. Also called: DAAM2-related condition.

Allele frequency attached by ClinVar (database versions not stated): gnomAD exomes below 0.00001.
gnomAD v4.1: 1 of 1,614,032 alleles (0.000062%); highest among the groups gnomAD compares: East Asian, 0.0022%; no homozygotes.

Submission:

PreventionGenetics, part of Exact Sciences
Classification: Likely benign for DAAM2-related condition. Last evaluated: 2019-04-03. Review status: no assertion criteria provided. Collection method: clinical testing. Allele origin: germline.
Comment: This variant is classified as likely benign based on ACMG/AMP sequence variant interpretation guidelines (Richards et al. 2015 PMID: 25741868, with internal and published modifications).

NM_001201427.2(DAAM2):c.1845+7A>G

Gene: DAAM2 (dishevelled associated activator of morphogenesis 2; plus strand). Cytogenetic location: 6p21.2.
Variant type: single nucleotide variant.
Coding change: c.1845+7A>G on transcript NM_001201427.2 (MANE Select); 7 bases into the intron after coding-DNA position 1845, A replaced by G.
Molecular consequence: intron variant.
Genome position (GRCh38, 1-based): chr6:39,879,484, A>G. VCF-style: chr6-39879484-A-G. GRCh37 (hg19) VCF-style: chr6-39847260-A-G.
Other names: c.1845+7A>G (NM_015345.4).
Identifiers: ClinVar variation 3057291 (VCV003057291.2), dbSNP rs2481858103, ClinGen allele CA2678640574.
Genomic context (GRCh38, chr6:39,879,484, plus strand): 5'-GTCCCCCAGCCTTCTCACCCACTGAAGTCCTTCAACTGGGTGAAGCTGAATGAGGTGAGC[A>G]TCTGGGAAGGGGCTGGAGGGCCCATTCTTCTACAGCAGGGCAGTCAGCCTCAGGGACCAC-3'